The following is an entry in ClinVar:

ClinVar aggregate classification (germline): Pathogenic. Review status: criteria provided, multiple submitters, no conflicts (2 of 4 stars). 6 submissions from 6 submitters: Pathogenic (4). 2 of the submissions do not count toward it. Last evaluated 2024-10-02.

Conditions:
Lamellar ichthyosis. Identifiers: Orphanet 313, MedGen C5848247, MONDO:0017778.
Autosomal recessive congenital ichthyosis 1 (LI1). Also called: ICHTHYOSIS, CONGENITAL, AUTOSOMAL RECESSIVE 1, WITH BATHING SUIT DISTRIBUTION; ICHTHYOSIS, CONGENITAL, AUTOSOMAL RECESSIVE 1, WITH OR WITHOUT BATHING SUIT DISTRIBUTION; COLLODION FETUS; DESQUAMATION OF NEWBORN; ICHTHYOSIS CONGENITA; ICHTHYOSIS CONGENITA II. Identifiers: MedGen C4551630, MONDO:0009441, OMIM 242300.

Allele frequency attached by ClinVar (database versions not stated): ExAC 0.00006.
gnomAD v4.1: 21 of 1,614,112 alleles (0.0013%); highest among the groups gnomAD compares: Non-Finnish European, 0.001%; no homozygotes.

Submissions (6):

Women's Health and Genetics/Laboratory Corporation of America, LabCorp
Classification: Pathogenic for Lamellar ichthyosis. Last evaluated: 2024-10-02. Review status: criteria provided, single submitter. Criteria: LabCorp Variant Classification Summary - May 2015. Collection method: clinical testing. Allele origin: germline.
Comment: Variant summary: TGM1 c.1074C>G (p.Ser358Arg) results in a non-conservative amino acid change in the encoded protein sequence. Five of five in-silico tools predict a damaging effect of the variant on protein function. The variant allele was found at a frequency of 4.4e-05 in 251142 control chromosomes. This frequency is not significantly higher than estimated for a pathogenic variant in TGM1 causing Lamellar Ichthyosis (4.4e-05 vs 0.0021), allowing no conclusion about variant significance. c.1074C>G has been reported in the literature in multiple compound heterozygous and homozygous individuals affected with Lamellar Ichthyosis (e.g. Pigg_2016). These data indicate that the variant is very likely to be associated with disease. The following publication has been ascertained in the context of this evaluation (PMID: 27025581). ClinVar contains an entry for this variant (Variation ID: 553856). Based on the evidence outlined above, the variant was classified as pathogenic.

Labcorp Genetics (formerly Invitae), Labcorp
Classification: Pathogenic. Last evaluated: 2024-03-14. Review status: criteria provided, single submitter. Criteria: Invitae Variant Classification Sherloc (09022015). Collection method: clinical testing. Allele origin: germline.
Comment: This sequence change replaces serine, which is neutral and polar, with arginine, which is basic and polar, at codon 358 of the TGM1 protein (p.Ser358Arg). This variant is present in population databases (rs779287673, gnomAD 0.009%). This missense change has been observed in individual(s) with congenital ichthyosis (PMID: 9261103, 27025581, 28403434). In at least one individual the data is consistent with being in trans (on the opposite chromosome) from a pathogenic variant. It has also been observed to segregate with disease in related individuals. ClinVar contains an entry for this variant (Variation ID: 553856). Advanced modeling of protein sequence and biophysical properties (such as structural, functional, and spatial information, amino acid conservation, physicochemical variation, residue mobility, and thermodynamic stability) performed at Invitae indicates that this missense variant is expected to disrupt TGM1 protein function with a positive predictive value of 95%. For these reasons, this variant has been classified as Pathogenic.

Baylor Genetics
Classification: Pathogenic for Autosomal recessive congenital ichthyosis 1. Last evaluated: 2023-02-28. Review status: criteria provided, single submitter. Criteria: ACMG Guidelines, 2015. Collection method: clinical testing. Allele origin: unknown.

Genome-Nilou Lab
Classification: Pathogenic for Autosomal recessive congenital ichthyosis 1. Review status: criteria provided, single submitter. Criteria: ACMG Guidelines, 2015. Collection method: clinical testing. Allele origin: germline.

Natera, Inc.
Classification: Pathogenic for Autosomal recessive congenital ichthyosis type 1. Last evaluated: 2020-08-06. Review status: no assertion criteria provided. Collection method: clinical testing. Allele origin: germline. Not counted in ClinVar's aggregate classification.

Counsyl
Classification: Pathogenic for Autosomal recessive congenital ichthyosis 1. Last evaluated: 2017-09-15. Review status: no assertion criteria provided. Collection method: clinical testing. Allele origin: unknown. Not counted in ClinVar's aggregate classification.

Literature cited by the submitters: PubMed 27025581 (cited by 3 submitters); PubMed 9261103 (cited by Labcorp Genetics (formerly Invitae), Labcorp); PubMed 28403434 (cited by Labcorp Genetics (formerly Invitae), Labcorp).

NM_000359.3(TGM1):c.1074C>G (p.Ser358Arg)

Gene: TGM1 (transglutaminase 1; minus strand). Cytogenetic location: 14q12.
Variant type: single nucleotide variant.
Coding change: c.1074C>G on transcript NM_000359.3 (MANE Select); coding-DNA position 1074, C replaced by G.
Protein change: p.Ser358Arg; replaces serine 358 with arginine.
Molecular consequence: missense variant.
Genome position (GRCh38, 1-based): chr14:24,259,160, G>C on the plus strand (C>G on the coding strand, the complement: TGM1 is on the minus strand). VCF-style: chr14-24259160-G-C. GRCh37 (hg19) VCF-style: chr14-24728366-G-C.
Other names: short protein forms S358R.
Identifiers: ClinVar variation 553856 (VCV000553856.15), dbSNP rs779287673, ClinGen allele CA7131199.
Genomic context (GRCh38, chr14:24,259,160, plus strand): 5'-CCAGCACTGGCCATAGGGGACGGAATATCCCGTGCGTAGGTAGCTAAGCAGGATCTCCAC[G>C]CTGCCCACCCACGCTGATGGGTTGGTGCCTCGGGAGTAATCACCAGACCAGTTCCCAATC-3'
Protein context (NP_000350.1, residues 348-368): RGTNPSAWVG[Ser358Arg]VEILLSYLRT